The following is an entry in ClinVar:

ClinVar aggregate classification (germline): Likely pathogenic (1 of 4 stars; one submission).

Conditions:
Multiple congenital exostosis (EXT). Also called: Hereditary multiple osteochondromas; MULTIPLE CARTILAGINOUS EXOSTOSES; Hereditary multiple exostoses; Hereditary multiple exostosis; Multiple osteochondromas; Multiple exostoses. Identifiers: Orphanet 321, MedGen C0015306, MONDO:0005508, HP:0002762.

Submission:

Labcorp Genetics (formerly Invitae), Labcorp
Classification: Likely pathogenic for Multiple congenital exostosis. Last evaluated: 2021-09-21. Review status: criteria provided, single submitter. Criteria: Invitae Variant Classification Sherloc (09022015). Collection method: clinical testing. Allele origin: germline.
Comment: In summary, the currently available evidence indicates that the variant is pathogenic, but additional data are needed to prove that conclusively. Therefore, this variant has been classified as Likely Pathogenic. This variant disrupts a region of the EXT1 protein in which other variant(s) (p.Pro496Leu) have been observed in individuals with EXT1-related conditions (PMID: 10480354). This suggests that this is a clinically significant region of the protein, and that variants that disrupt it are likely to be disease-causing. Experimental studies and prediction algorithms are not available or were not evaluated, and the functional significance of this variant is currently unknown. A similar copy number variant has been observed in individual(s) with hereditary multiple osteochondromatosis (Invitae). This variant is a gross deletion of the genomic region encompassing exon(s) 5-6 of the EXT1 gene. This variant would be expected to be in-frame, preserving the integrity of the reading frame.

Literature cited by the submitters: PubMed 10480354.

NC_000008.10:g.(?_118831895)_(118834856_?)del

Gene: EXT1 (exostosin glycosyltransferase 1; minus strand). Cytogenetic location: 8q24.11.
Variant type: Deletion.
Identifiers: ClinVar variation 1490997 (VCV001490997.4).